The following is an entry in ClinVar:

ClinVar aggregate classification (germline): Uncertain significance (1 of 4 stars; one submission).

Conditions:
Developmental and epileptic encephalopathy, 1 (DEE1). Also called: X-linked infantile spasms; West's syndrome; Tonic spasms with clustering, arrest of psychomotor development and hypsarrhythmia on EEG; X-Linked Infantile Spasm Syndrome; INFANTILE SPASM SYNDROME, X-LINKED 1; Epileptic encephalopathy, early infantile, 1. Identifiers: MedGen C3463992, MONDO:0010632, OMIM 308350. Disease mechanism: loss of function.
Autosomal recessive spinocerebellar ataxia 12. Also called: SPINOCEREBELLAR ATAXIA WITH MENTAL RETARDATION AND EPILEPSY. Identifiers: Orphanet 284282, MedGen C3280452, MONDO:0013687, OMIM 614322.

Submission:

Labcorp Genetics (formerly Invitae), Labcorp
Classification: Uncertain significance for Developmental and epileptic encephalopathy, 1; Autosomal recessive spinocerebellar ataxia 12. Last evaluated: 2019-03-07. Review status: criteria provided, single submitter. Criteria: Invitae Variant Classification Sherloc (09022015). Collection method: clinical testing. Allele origin: germline.
Comment: This sequence change replaces leucine with proline at codon 182 of the WWOX protein (p.Leu182Pro). The leucine residue is highly conserved and there is a moderate physicochemical difference between leucine and proline. This variant is not present in population databases (ExAC no frequency). In summary, the available evidence is currently insufficient to determine the role of this variant in disease. Therefore, it has been classified as a Variant of Uncertain Significance. Algorithms developed to predict the effect of missense changes on protein structure and function are either unavailable or do not agree on the potential impact of this missense change (SIFT: "Deleterious"; PolyPhen-2: "Probably Damaging"; Align-GVGD: "Class 0"). This variant has not been reported in the literature in individuals with WWOX-related conditions.

NM_016373.4(WWOX):c.545T>C (p.Leu182Pro)

Gene: WWOX (WW domain containing oxidoreductase; plus strand). Cytogenetic location: 16q23.1.
Variant type: single nucleotide variant.
Coding change: c.545T>C on transcript NM_016373.4 (MANE Select); coding-DNA position 545, T replaced by C.
Protein change: p.Leu182Pro; replaces leucine 182 with proline.
Molecular consequence: missense variant.
Genome position (GRCh38, 1-based): chr16:78,386,888, T>C. VCF-style: chr16-78386888-T-C. GRCh37 (hg19) VCF-style: chr16-78420785-T-C.
Other names: c.206T>C, p.Leu69Pro (NM_001291997.2); short protein forms L69P, L182P.
Identifiers: ClinVar variation 863394 (VCV000863394.8), dbSNP rs2082072058, ClinGen allele CA396843890.